The following is an entry in ClinVar:

ClinVar aggregate classification (germline): Uncertain significance (1 of 4 stars; one submission).

gnomAD v4.1: 10 of 1,613,450 alleles (0.00062%); highest among the groups gnomAD compares: Non-Finnish European, 0.00068%; no homozygotes.

Submission:

GeneDx
Classification: Uncertain significance. Last evaluated: 2026-03-27. Review status: criteria provided, single submitter. Criteria: GeneDx Variant Classification Process June 2021. Collection method: clinical testing. Allele origin: germline.
Comment: Not observed at significant frequency in large population cohorts (gnomAD); In silico analysis suggests that this missense variant does not alter protein structure/function; Has not been previously published as pathogenic or benign to our knowledge

NM_015937.6(PIGT):c.920T>C (p.Val307Ala)

Gene: PIGT (phosphatidylinositol glycan anchor biosynthesis class T; plus strand). Cytogenetic location: 20q13.12.
Variant type: single nucleotide variant.
Coding change: c.920T>C on transcript NM_015937.6 (MANE Select); coding-DNA position 920, T replaced by C.
Protein change: p.Val307Ala; replaces valine 307 with alanine.
Molecular consequence: missense variant. On other transcripts: non-coding transcript variant (5).
Genome position (GRCh38, 1-based): chr20:45,420,580, T>C. VCF-style: chr20-45420580-T-C. GRCh37 (hg19) VCF-style: chr20-44049220-T-C.
Other names: c.752T>C, p.Val251Ala (NM_001184728.3); c.920T>C, p.Val307Ala (NM_001184729.3); c.614T>C, p.Val205Ala (NM_001184730.3); short protein forms V205A, V251A, V307A.
Identifiers: ClinVar variation 5017294 (VCV005017294.1).